The following is an entry in ClinVar:

NM_021614.4(KCNN2):c.1324C>T (p.Pro442Ser)

Gene: KCNN2 (potassium calcium-activated channel subfamily N member 2; plus strand). Cytogenetic location: 5q22.3.
Variant type: single nucleotide variant.
Coding change: c.1324C>T on transcript NM_021614.4 (MANE Select); coding-DNA position 1324, C replaced by T.
Protein change: p.Pro442Ser; replaces proline 442 with serine.
Molecular consequence: missense variant.
Genome position (GRCh38, 1-based): chr5:114,404,543, C>T. VCF-style: chr5-114404543-C-T. GRCh37 (hg19) VCF-style: chr5-113740240-C-T.
Other names: c.1522C>T, p.Pro508Ser (NM_001372233.1); short protein forms P442S, P508S.
Identifiers: ClinVar variation 2502639 (VCV002502639.2), dbSNP rs2531642978, ClinGen allele CA360705102.

ClinVar aggregate classification (germline): Uncertain significance (1 of 4 stars; one submission).

Submission:

GeneDx
Classification: Uncertain significance. Last evaluated: 2024-05-09. Review status: criteria provided, single submitter. Criteria: GeneDx Variant Classification Process June 2021. Collection method: clinical testing. Allele origin: germline.
Comment: Not observed at significant frequency in large population cohorts (gnomAD); In silico analysis supports that this missense variant has a deleterious effect on protein structure/function; Has not been previously published as pathogenic or benign to our knowledge